The following is an entry in ClinVar:

ClinVar aggregate classification (germline): Uncertain significance. Review status: criteria provided, multiple submitters, no conflicts (2 of 4 stars). 2 submissions from 2 submitters: Uncertain significance (2). Last evaluated 2023-10-05.

Conditions:
Hereditary cancer-predisposing syndrome. Also called: Neoplastic Syndromes, Hereditary; Tumor predisposition; Hereditary neoplastic syndrome; Hereditary Cancer Syndrome. Identifiers: Orphanet 140162, MedGen C0027672, MeSH D009386, MONDO:0015356.
Familial melanoma. Also called: Hereditary melanoma; Hereditary cutaneous melanoma. Identifiers: Orphanet 618, MedGen C1512419, MONDO:0018961.

Submissions (2):

Ambry Genetics
Classification: Uncertain significance for Hereditary cancer-predisposing syndrome. Last evaluated: 2023-10-05. Review status: criteria provided, single submitter. Criteria: Ambry Variant Classification Scheme 2023. Collection method: clinical testing. Allele origin: germline.
Comment: The c.253_256dupCGGG variant, located in coding exon 2 of the CDK4 gene, results from a duplication of CGGG at nucleotide position 253, causing a translational frameshift with a predicted alternate stop codon (p.E86Afs*10). This alteration is expected to result in protein truncation or nonsense-mediated mRNA decay. However, loss of function of CDK4 has not been established as a mechanism of disease. Since supporting evidence is limited at this time, the clinical significance of this alteration remains unclear.

Labcorp Genetics (formerly Invitae), Labcorp
Classification: Uncertain significance for Familial melanoma. Last evaluated: 2021-10-12. Review status: criteria provided, single submitter. Criteria: Invitae Variant Classification Sherloc (09022015). Collection method: clinical testing. Allele origin: germline.
Comment: In summary, the available evidence is currently insufficient to determine the role of this variant in disease. Therefore, it has been classified as a Variant of Uncertain Significance. Experimental studies and prediction algorithms are not available or were not evaluated, and the functional significance of this variant is currently unknown. This sequence change creates a premature translational stop signal (p.Glu86Alafs*10) in the CDK4 gene. It is expected to result in an absent or disrupted protein product. However, the current clinical and genetic evidence is not sufficient to establish whether loss-of-function variants in CDK4 cause disease. This variant is not present in population databases (ExAC no frequency). This variant has not been reported in the literature in individuals with CDK4-related conditions.

NM_000075.4(CDK4):c.253_256dup (p.Glu86fs)

Gene: CDK4 (cyclin dependent kinase 4; minus strand). Cytogenetic location: 12q14.1.
Variant type: Duplication.
Coding change: c.253_256dup on transcript NM_000075.4 (MANE Select); coding-DNA positions 253 to 256, 4 bases duplicated (CGGG; older notation c.253_256dupCGGG).
Protein change: p.Glu86fs; shifts the reading frame from glutamic acid 86.
Molecular consequence: frameshift variant.
Genome position (GRCh38, 1-based): chr12:57,751,305-57,751,308, CCCG duplicated on the plus strand (CGGG on the coding strand, the reverse complement: CDK4 is on the minus strand). VCF-style (leftmost placement, unchanged base first): chr12-57751304-T-TCCCG. GRCh37 (hg19) VCF-style: chr12-58145087-T-TCCCG.
Other names: c.253_256dupCGGG (NM_000075.3); short protein forms E86fs.
Identifiers: ClinVar variation 1355811 (VCV001355811.7), dbSNP rs2140387483, ClinGen allele CA2573148892.
Genomic context (GRCh38, chr12:57,751,304, plus strand): 5'-TTGTCCAGATATGTCCTTAGGTCCTGGTCTACATGCTCAAACACCAGGGTTACCTTGATC[T>TCCCG]CCCGGTCAGTTCGGGATGTGGCACAGACGTCCATCAGCCTGACCAGAGTAAATGCTCACT-3'